The following is an entry in ClinVar:

NM_024753.5(TTC21B):c.2999G>A (p.Gly1000Glu)

Gene: TTC21B (tetratricopeptide repeat domain 21B; minus strand). Cytogenetic location: 2q24.3.
Variant type: single nucleotide variant.
Coding change: c.2999G>A on transcript NM_024753.5 (MANE Select); coding-DNA position 2999, G replaced by A.
Protein change: p.Gly1000Glu; replaces glycine 1000 with glutamic acid.
Molecular consequence: missense variant.
Genome position (GRCh38, 1-based): chr2:165,890,940, C>T on the plus strand (G>A on the coding strand, the complement: TTC21B is on the minus strand). VCF-style: chr2-165890940-C-T. GRCh37 (hg19) VCF-style: chr2-166747450-C-T.
Other names: c.2999G>A (NM_024753.4); short protein forms G1000E.
Identifiers: ClinVar variation 2151185 (VCV002151185.5), dbSNP rs370593471, ClinGen allele CA1941621.

ClinVar aggregate classification (germline): Uncertain significance. Review status: criteria provided, multiple submitters, no conflicts (2 of 4 stars). 2 submissions from 2 submitters: Uncertain significance (2). Last evaluated 2025-03-03.

Conditions:
TTC21B-related disorder. Also called: TTC21B-related condition; TTC21B-related disorders.
Jeune thoracic dystrophy. Also called: Short-rib thoracic dysplasia; Jeune syndrome; Infantile thoracic dystrophy; Thoracic pelvic phalangeal dystrophy; Jeune's syndrome; Chondroectodermal dysplasia-like syndrome. Identifiers: Orphanet 474, MedGen C0265275, MONDO:0018770.
Nephronophthisis. Also called: Juvenile Nephronophthisis. Identifiers: Orphanet 655, MedGen C0687120, MONDO:0019005, HP:0000090.

Allele frequency attached by ClinVar (database versions not stated): ExAC 0.00001; gnomAD 0.00001; TOPMed 0.00001; gnomAD exomes 0.00002; ESP Exome Variant Server 0.00008.
gnomAD v4.1: 35 of 1,613,086 alleles (0.0022%); highest among the groups gnomAD compares: Non-Finnish European, 0.0029%; no homozygotes.

Submissions (2):

Labcorp Genetics (formerly Invitae), Labcorp
Classification: Uncertain significance for Jeune thoracic dystrophy; Nephronophthisis. Last evaluated: 2025-03-03. Review status: criteria provided, single submitter. Criteria: Invitae Variant Classification Sherloc (09022015). Collection method: clinical testing. Allele origin: germline.
Comment: This sequence change replaces glycine, which is neutral and non-polar, with glutamic acid, which is acidic and polar, at codon 1000 of the TTC21B protein (p.Gly1000Glu). This variant is present in population databases (rs370593471, gnomAD 0.004%). This variant has not been reported in the literature in individuals affected with TTC21B-related conditions. ClinVar contains an entry for this variant (Variation ID: 2151185). Invitae Evidence Modeling of protein sequence and biophysical properties (such as structural, functional, and spatial information, amino acid conservation, physicochemical variation, residue mobility, and thermodynamic stability) has been performed for this missense variant. However, the output from this modeling did not meet the statistical confidence thresholds required to predict the impact of this variant on TTC21B protein function. In summary, the available evidence is currently insufficient to determine the role of this variant in disease. Therefore, it has been classified as a Variant of Uncertain Significance.

PreventionGenetics, part of Exact Sciences
Classification: Uncertain significance for TTC21B-related condition. Last evaluated: 2024-12-10. Review status: criteria provided, single submitter. Criteria: ACMG Guidelines, 2015. Collection method: clinical testing. Allele origin: germline.
Comment: The TTC21B c.2999G>A variant is predicted to result in the amino acid substitution p.Gly1000Glu. To our knowledge, this variant has not been reported in the literature. This variant is reported in 0.0041% of alleles in individuals of African descent in gnomAD. At this time, the clinical significance of this variant is uncertain due to the absence of conclusive functional and genetic evidence.